The following is an entry in ClinVar:

ClinVar aggregate classification (germline): Uncertain significance (1 of 4 stars; one submission).

Submission:

GeneDx
Classification: Uncertain significance. Last evaluated: 2025-10-30. Review status: criteria provided, single submitter. Criteria: GeneDx Variant Classification Process June 2021. Collection method: clinical testing. Allele origin: germline.
Comment: Not observed at significant frequency in large population cohorts (gnomAD); In silico analysis supports that this missense variant has a deleterious effect on protein structure/function; Has not been previously published as pathogenic or benign to our knowledge

NM_004463.3(FGD1):c.356C>T (p.Pro119Leu)

Gene: FGD1 (FYVE, RhoGEF and PH domain containing 1; minus strand). Cytogenetic location: Xp11.22.
Variant type: single nucleotide variant.
Coding change: c.356C>T on transcript NM_004463.3 (MANE Select); coding-DNA position 356, C replaced by T.
Protein change: p.Pro119Leu; replaces proline 119 with leucine.
Molecular consequence: missense variant.
Genome position (GRCh38, 1-based): chrX:54,471,439, G>A on the plus strand (C>T on the coding strand, the complement: FGD1 is on the minus strand). VCF-style: chrX-54471439-G-A. GRCh37 (hg19) VCF-style: chrX-54497872-G-A.
Other names: short protein forms P119L.
Identifiers: ClinVar variation 3361527 (VCV003361527.2).